The following is an entry in ClinVar:

NM_138713.4(NFAT5):c.3727C>G (p.Gln1243Glu)

Gene: NFAT5 (nuclear factor of activated T cells 5; plus strand). Cytogenetic location: 16q22.1.
Variant type: single nucleotide variant.
Coding change: c.3727C>G on transcript NM_138713.4 (MANE Select); coding-DNA position 3727, C replaced by G.
Protein change: p.Gln1243Glu; replaces glutamine 1243 with glutamic acid.
Molecular consequence: missense variant.
Genome position (GRCh38, 1-based): chr16:69,693,552, C>G. VCF-style: chr16-69693552-C-G. GRCh37 (hg19) VCF-style: chr16-69727455-C-G.
Other names: c.3724C>G, p.Gln1242Glu (NM_001113178.3); c.3052C>G, p.Gln1018Glu (NM_001367709.1); c.3673C>G, p.Gln1225Glu (NM_006599.4); c.3445C>G, p.Gln1149Glu (NM_138714.4, NM_173214.3, NM_173215.3); short protein forms Q1242E, Q1243E, Q1225E, Q1149E, Q1018E.
Identifiers: ClinVar variation 3660012 (VCV003660012.2).
Genomic context (GRCh38, chr16:69,693,552, plus strand): 5'-CAGCAGGGTTTATTTCAGCCTCAGGTGGCCCTGGGCTCCCTTCCACCTAATCCAATGCCT[C>G]AAAGCCAACAAGGAACCATGTTCCAGTCACAGCACTCAATAGTTGCCATGCAGAGTAACT-3'
Protein context (NP_619727.2, residues 1233-1253): LGSLPPNPMP[Gln1243Glu]SQQGTMFQSQ

ClinVar aggregate classification (germline): Uncertain significance (1 of 4 stars; one submission).

Conditions:
Immunodeficiency. Identifiers: MedGen C0021051, MONDO:0021094, HP:0002721.

gnomAD v4.1: 1 of 1,614,154 alleles (0.000062%); highest among the groups gnomAD compares: South Asian, 0.0011%; no homozygotes.

Submission:

Labcorp Genetics (formerly Invitae), Labcorp
Classification: Uncertain significance for Immunodeficiency. Last evaluated: 2024-07-20. Review status: criteria provided, single submitter. Criteria: Invitae Variant Classification Sherloc (09022015). Collection method: clinical testing. Allele origin: germline.
Comment: This sequence change replaces glutamine, which is neutral and polar, with glutamic acid, which is acidic and polar, at codon 1149 of the NFAT5 protein (p.Gln1149Glu). This variant is not present in population databases (gnomAD no frequency). This variant has not been reported in the literature in individuals affected with NFAT5-related conditions. An algorithm developed to predict the effect of missense changes on protein structure and function (PolyPhen-2) suggests that this variant is likely to be tolerated. In summary, the available evidence is currently insufficient to determine the role of this variant in disease. Therefore, it has been classified as a Variant of Uncertain Significance.